The following is an entry in ClinVar:

NM_023077.3(COA7):c.97del (p.Asp33fs)

Gene: COA7 (cytochrome c oxidase assembly factor 7; minus strand). Cytogenetic location: 1p32.3.
Variant type: Deletion.
Coding change: c.97del on transcript NM_023077.3 (MANE Select); coding-DNA position 97, one base deleted (G; older notation c.97delG).
Protein change: p.Asp33fs; shifts the reading frame from aspartic acid 33.
Molecular consequence: frameshift variant.
Genome position (GRCh38, 1-based): chr1:52,698,230, C deleted on the plus strand (G on the coding strand, the reverse complement: COA7 is on the minus strand); the first of 2 consecutive C bases (chr1:52,698,230-52,698,231); deleting either gives the same sequence. VCF-style (leftmost placement, unchanged base first): chr1-52698229-TC-T. GRCh37 (hg19) VCF-style: chr1-53163901-TC-T.
Other names: short protein forms D33fs.
Identifiers: ClinVar variation 2585171 (VCV002585171.1), dbSNP rs767873164, ClinGen allele CA855772.

ClinVar aggregate classification (germline): Likely pathogenic (1 of 4 stars; one submission).

Conditions:
Spinocerebellar ataxia, autosomal recessive, with axonal neuropathy 3 (SCAN3). Identifiers: MedGen C5193070, MONDO:0020770, OMIM 618387.

Submission:

Neuberg Centre For Genomic Medicine, NCGM
Classification: Likely pathogenic for Spinocerebellar ataxia, autosomal recessive, with axonal neuropathy 3. Review status: criteria provided, single submitter. Criteria: ACMG Guidelines, 2015. Collection method: clinical testing. Allele origin: germline. Inheritance: Autosomal recessive inheritance. Affected: yes.
Comment: The frameshift variant c.97del (p.Asp33ThrfsTer26) in COA7 gene has not been reported previously as a pathogenic variant nor as a benign variant, to our knowledge. The p.D33Tfs26 variant is observed in 1/30,562 (0.0033%) alleles from individuals of South Asian background in gnomAD Exomes and is novel (not in any individuals) in 1000 Genomes. This variant causes a frameshift starting with codon Aspartic Acid 33, changes this amino acid to Threonine residue, and creates a premature Stop codon at position 26 of the new reading frame, denoted p.Asp33ThrfsTer26. This variant is predicted to cause loss of normal protein function through protein truncation caused by a frameshift mutation. For these reasons, this variant has been classified as Likely Pathogenic. In the absence of another reportable variant, the molecular diagnosis of COA7 related disorder is not confirmed.